The following is an entry in ClinVar:

ClinVar aggregate classification (germline): Uncertain significance. Review status: criteria provided, multiple submitters, no conflicts (2 of 4 stars). 3 submissions from 3 submitters: Uncertain significance (3). Last evaluated 2024-03-20.

Conditions:
Inborn genetic diseases. Identifiers: MedGen C0950123, MeSH D030342.
Sclerosteosis 2 (SOST2). Identifiers: Orphanet 3152, MedGen C3280402, MONDO:0013679, OMIM 614305.
Congenital myasthenic syndrome 17. Identifiers: Orphanet 590, MedGen C4225377, MONDO:0014578, OMIM 616304.
Cenani-Lenz syndactyly syndrome. Also called: CENANI SYNDACTYLISM; SYNDACTYLY, TYPE VII. Identifiers: Orphanet 3258, MedGen C1859309, MONDO:0008931, OMIM 212780.

Allele frequency attached by ClinVar (database versions not stated): ExAC 0.00001; gnomAD exomes 0.00001.
gnomAD v4.1: 13 of 1,614,226 alleles (0.00081%); highest among the groups gnomAD compares: East Asian, 0.0045%; no homozygotes.

Submissions (3):

Ambry Genetics
Classification: Uncertain significance for Inborn genetic diseases. Last evaluated: 2024-03-20. Review status: criteria provided, single submitter. Criteria: Ambry Variant Classification Scheme 2023. Collection method: clinical testing. Allele origin: germline.

Labcorp Genetics (formerly Invitae), Labcorp
Classification: Uncertain significance for Cenani-Lenz syndactyly syndrome; Sclerosteosis 2; Congenital myasthenic syndrome 17. Last evaluated: 2022-01-15. Review status: criteria provided, single submitter. Criteria: Invitae Variant Classification Sherloc (09022015). Collection method: clinical testing. Allele origin: germline.
Comment: In summary, the available evidence is currently insufficient to determine the role of this variant in disease. Therefore, it has been classified as a Variant of Uncertain Significance. Algorithms developed to predict the effect of missense changes on protein structure and function (SIFT, PolyPhen-2, Align-GVGD) all suggest that this variant is likely to be disruptive. ClinVar contains an entry for this variant (Variation ID: 960276). This variant has not been reported in the literature in individuals affected with LRP4-related conditions. This variant is present in population databases (rs757565682, gnomAD 0.006%). This sequence change replaces arginine, which is basic and polar, with tryptophan, which is neutral and slightly polar, at codon 979 of the LRP4 protein (p.Arg979Trp).

Fulgent Genetics
Classification: Uncertain significance for Cenani-Lenz syndactyly syndrome; Sclerosteosis 2; Congenital myasthenic syndrome 17. Last evaluated: 2021-07-26. Review status: criteria provided, single submitter. Criteria: ACMG Guidelines, 2015. Collection method: clinical testing. Allele origin: unknown.

NM_002334.4(LRP4):c.2935C>T (p.Arg979Trp)

Gene: LRP4 (LDL receptor related protein 4; minus strand). Cytogenetic location: 11p11.2.
Variant type: single nucleotide variant.
Coding change: c.2935C>T on transcript NM_002334.4 (MANE Select); coding-DNA position 2935, C replaced by T.
Protein change: p.Arg979Trp; replaces arginine 979 with tryptophan.
Molecular consequence: missense variant.
Genome position (GRCh38, 1-based): chr11:46,879,195, G>A on the plus strand (C>T on the coding strand, the complement: LRP4 is on the minus strand). VCF-style: chr11-46879195-G-A. GRCh37 (hg19) VCF-style: chr11-46900746-G-A.
Other names: short protein forms R979W.
Identifiers: ClinVar variation 960276 (VCV000960276.7), dbSNP rs757565682, ClinGen allele CA5969751.